The following is an entry in ClinVar:

ClinVar aggregate classification (germline): Likely benign. Review status: criteria provided, multiple submitters, no conflicts (2 of 4 stars). 4 submissions from 4 submitters: Likely benign (4). Last evaluated 2025-10-13.

Conditions:
Short-rib thoracic dysplasia 10 with or without polydactyly (SRTD10). Identifiers: Orphanet 474, MedGen C3810175, MONDO:0014284, OMIM 615630.
Retinitis pigmentosa 71 (RP71). Identifiers: Orphanet 791, MedGen C4225342, MONDO:0014618, OMIM 616394.
Bardet-Biedl syndrome 20. Identifiers: MedGen C4310707, MONDO:0023670, OMIM 619471, MONDO:0014926.

Allele frequency attached by ClinVar (database versions not stated): gnomAD exomes 0.00003 and 0.00008; ExAC 0.00011; TOPMed 0.00021; gnomAD 0.00025 and 0.00026; 1000 Genomes Project 30x 0.00047; 1000 Genomes Project 0.00060; ESP Exome Variant Server 0.00062.
gnomAD v4.1: 94 of 1,614,138 alleles (0.0058%); highest among the groups gnomAD compares: African/African-American, 0.11%; no homozygotes.

Submissions (4):

Labcorp Genetics (formerly Invitae), Labcorp
Classification: Likely benign for Retinitis pigmentosa 71; Short-rib thoracic dysplasia 10 with or without polydactyly. Last evaluated: 2025-10-13. Review status: criteria provided, single submitter. Criteria: Invitae Variant Classification Sherloc (09022015). Collection method: clinical testing. Allele origin: germline.

Blueprint Genetics
Classification: Likely benign. Last evaluated: 2023-12-27. Review status: criteria provided, single submitter. Criteria: ACMG Guidelines, 2015. Collection method: clinical testing. Allele origin: germline.

Fulgent Genetics
Classification: Likely benign for Short-rib thoracic dysplasia 10 with or without polydactyly; Retinitis pigmentosa 71; Bardet-Biedl syndrome 20. Last evaluated: 2021-09-03. Review status: criteria provided, single submitter. Criteria: ACMG Guidelines, 2015. Collection method: clinical testing. Allele origin: unknown.

GeneDx
Classification: Likely benign. Last evaluated: 2017-12-11. Review status: criteria provided, single submitter. Criteria: GeneDx Variant Classification (06012015). Collection method: clinical testing. Allele origin: germline. Affected: yes.
Comment: This variant is considered likely benign or benign based on one or more of the following criteria: it is a conservative change, it occurs at a poorly conserved position in the protein, it is predicted to be benign by multiple in silico algorithms, and/or has population frequency not consistent with disease.

NM_015662.3(IFT172):c.2949G>A (p.Lys983=)

Gene: IFT172 (intraflagellar transport 172; minus strand). Cytogenetic location: 2p23.3.
Variant type: single nucleotide variant.
Coding change: c.2949G>A on transcript NM_015662.3 (MANE Select); coding-DNA position 2949, G replaced by A.
Protein change: p.Lys983=; no amino-acid change (lysine 983 retained).
Molecular consequence: synonymous variant.
Genome position (GRCh38, 1-based): chr2:27,458,152, C>T on the plus strand (G>A on the coding strand, the complement: IFT172 is on the minus strand). VCF-style: chr2-27458152-C-T. GRCh37 (hg19) VCF-style: chr2-27681019-C-T.
Identifiers: ClinVar variation 514020 (VCV000514020.14), dbSNP rs141970363, ClinGen allele CA1580136.